The following is an entry in ClinVar:

NM_001673.5(ASNS):c.1235A>C (p.His412Pro)

Genes: ASNS (asparagine synthetase (glutamine-hydrolyzing); minus strand), CZ1P-ASNS (CZ1P-ASNS readthrough; minus strand). Cytogenetic location: 7q21.3.
Variant type: single nucleotide variant.
Coding change: c.1235A>C on transcript NM_001673.5 (MANE Select); coding-DNA position 1235, A replaced by C.
Protein change: p.His412Pro; replaces histidine 412 with proline.
Molecular consequence: missense variant. On other transcripts: non-coding transcript variant (1).
Genome position (GRCh38, 1-based): chr7:97,854,583, T>G on the plus strand (A>C on the coding strand, the complement: ASNS is on the minus strand). VCF-style: chr7-97854583-T-G. GRCh37 (hg19) VCF-style: chr7-97483895-T-G.
Other names: c.1172A>C, p.His391Pro (NM_001178075.2); c.986A>C, p.His329Pro (NM_001178076.2, NM_001178077.1); c.1235A>C, p.His412Pro (NM_001352496.2, NM_133436.3, NM_183356.4); short protein forms H329P, H391P, H412P.
Identifiers: ClinVar variation 4881374 (VCV004881374.2).
Genomic context (GRCh38, chr7:97,854,583, plus strand): 5'-TGTTTTGTTTTTGGTGTTTTTTTGTTTTTGTTTTACAATAGCCTCTAAAAATATTACCCA[T>G]GGGCAGCAGTAGTTCGATCTGCGCGGAGAACATCAAACAAATAGAGTTCCCTCAGAAGCC-3'
Protein context (NP_001664.3, residues 402-422): VLRADRTTAA[His412Pro]GLELRVPFLD

ClinVar aggregate classification (germline): Uncertain significance (1 of 4 stars; one submission).

gnomAD v4.1: 2 of 1,612,494 alleles (0.00012%); highest among the groups gnomAD compares: Admixed American, 0.0017%; no homozygotes.

Submission:

Dasa
Classification: Uncertain significance. Last evaluated: 2025-03-03. Review status: criteria provided, single submitter. Criteria: DASA Assertion Criteria. Collection method: clinical testing. Allele origin: germline.
Comment: NM_001673.5(ASNS):c.1235A>C (p.His412Pro) is a missense variant that results in the substitution of histidine with proline. This variant has been observed in affected individuals with ASNS-related disorders. Also, this variant is rare in population databases. The currently available literature and clinical evidence are not sufficient to establish a definitive association between this variant and the reported condition. Therefore, this variant is classified as a variant of uncertain significance.